The following is an entry in ClinVar:

NM_006214.4(PHYH):c.400T>C (p.Cys134Arg)

Gene: PHYH (phytanoyl-CoA 2-hydroxylase; minus strand). Cytogenetic location: 10p13.
Variant type: single nucleotide variant.
Coding change: c.400T>C on transcript NM_006214.4 (MANE Select); coding-DNA position 400, T replaced by C.
Protein change: p.Cys134Arg; replaces cysteine 134 with arginine.
Molecular consequence: missense variant.
Genome position (GRCh38, 1-based): chr10:13,294,442, A>G on the plus strand (T>C on the coding strand, the complement: PHYH is on the minus strand). VCF-style: chr10-13294442-A-G. GRCh37 (hg19) VCF-style: chr10-13336442-A-G.
Other names: c.100T>C, p.Cys34Arg (NM_001037537.2, NM_001323080.2, NM_001323084.2); c.400T>C, p.Cys134Arg (NM_001323082.2, NM_001323083.2); short protein forms C34R, C134R.
Identifiers: ClinVar variation 857918 (VCV000857918.7), dbSNP rs775822544, ClinGen allele CA5412395.

ClinVar aggregate classification (germline): Uncertain significance. Review status: criteria provided, multiple submitters, no conflicts (2 of 4 stars). 2 submissions from 2 submitters: Uncertain significance (2). Last evaluated 2022-03-29.

Allele frequency attached by ClinVar (database versions not stated): gnomAD exomes below 0.00001; ExAC 0.00001.
gnomAD v4.1: 8 of 1,614,120 alleles (0.0005%); highest among the groups gnomAD compares: Middle Eastern, 0.033%; no homozygotes.

Submissions (2):

Labcorp Genetics (formerly Invitae), Labcorp
Classification: Uncertain significance. Last evaluated: 2022-03-29. Review status: criteria provided, single submitter. Criteria: Invitae Variant Classification Sherloc (09022015). Collection method: clinical testing. Allele origin: germline.
Comment: This sequence change replaces cysteine, which is neutral and slightly polar, with arginine, which is basic and polar, at codon 134 of the PHYH protein (p.Cys134Arg). This variant is present in population databases (rs775822544, gnomAD 0.0009%). This variant has not been reported in the literature in individuals affected with PHYH-related conditions. ClinVar contains an entry for this variant (Variation ID: 857918). Algorithms developed to predict the effect of missense changes on protein structure and function are either unavailable or do not agree on the potential impact of this missense change (SIFT: "Deleterious"; PolyPhen-2: "Probably Damaging"; Align-GVGD: "Class C0"). In summary, the available evidence is currently insufficient to determine the role of this variant in disease. Therefore, it has been classified as a Variant of Uncertain Significance.

Institute for Clinical Genetics, University Hospital TU Dresden, University Hospital TU Dresden
Classification: Uncertain significance. Last evaluated: 2022-03-28. Review status: criteria provided, single submitter. Criteria: ACMG Guidelines, 2015. Collection method: clinical testing. Allele origin: germline.
Comment: PP3, PP4_MOD, PM2_SUP